The following is an entry in ClinVar:

ClinVar aggregate classification (germline): Conflicting classifications of pathogenicity. Review status: criteria provided, conflicting classifications (1 of 4 stars). 5 submissions from 5 submitters: Uncertain significance (1); Likely benign (4). Last evaluated 2025-09-26.

Conditions:
Immunodeficiency due to MASP-2 deficiency. Also called: MASP2 deficiency; LECTIN COMPLEMENT ACTIVATION PATHWAY, DEFECT IN, 2. Identifiers: Orphanet 331187, MedGen C3151085, MONDO:0013423, OMIM 613791.

Allele frequency attached by ClinVar (database versions not stated): gnomAD exomes 0.00028 and 0.00070; ExAC 0.00082; 1000 Genomes Project 30x 0.00156; 1000 Genomes Project 0.00160; gnomAD 0.00275 and 0.00303; TOPMed 0.00297; ESP Exome Variant Server 0.00323.
gnomAD v4.1: 842 of 1,613,150 alleles (0.052%); highest among the groups gnomAD compares: African/African-American, 1%; 4 homozygotes.

Submissions (5):

Ambry Genetics
Classification: Uncertain significance. Last evaluated: 2025-09-26. Review status: criteria provided, single submitter. Criteria: Ambry Variant Classification Scheme 2023. Collection method: clinical testing. Allele origin: germline.

Blueprint Genetics
Classification: Likely benign. Last evaluated: 2024-10-03. Review status: criteria provided, single submitter. Criteria: ACMG Guidelines, 2015. Collection method: clinical testing. Allele origin: germline.

Illumina Laboratory Services, Illumina
Classification: Likely benign for Immunodeficiency due to MASP-2 deficiency. Last evaluated: 2018-01-12. Review status: criteria provided, single submitter. Criteria: ICSL Variant Classification Criteria 13 December 2019. Collection method: clinical testing. Allele origin: germline.
Comment: This variant was observed in the ICSL laboratory as part of a predisposition screen in an ostensibly healthy population. It had not been previously curated by ICSL or reported in the Human Gene Mutation Database (HGMD: prior to June 1st, 2018), and was therefore a candidate for classification through an automated scoring system. Utilizing variant allele frequency, disease prevalence and penetrance estimates, and inheritance mode, an automated score was calculated to assess if this variant is too frequent to cause the disease. Based on the score and internal cut-off values, a variant classified as likely benign is not then subjected to further curation. The score for this variant resulted in a classification of likely benign for this disease.

Labcorp Genetics (formerly Invitae), Labcorp
Classification: Likely benign. Last evaluated: 2017-11-29. Review status: criteria provided, single submitter. Criteria: Invitae Variant Classification Sherloc (09022015). Collection method: clinical testing. Allele origin: germline.

Breakthrough Genomics
Classification: Likely benign. Review status: criteria provided, single submitter. Criteria: ACMG Guidelines, 2015. Collection method: not provided. Allele origin: germline. Inheritance: Autosomal recessive inheritance. Affected: yes.

NM_006610.4(MASP2):c.1064A>T (p.Asp355Val)

Gene: MASP2 (MBL associated serine protease 2; minus strand). Cytogenetic location: 1p36.22.
Variant type: single nucleotide variant.
Coding change: c.1064A>T on transcript NM_006610.4 (MANE Select); coding-DNA position 1064, A replaced by T.
Protein change: p.Asp355Val; replaces aspartic acid 355 with valine.
Molecular consequence: missense variant.
Genome position (GRCh38, 1-based): chr1:11,034,851, T>A on the plus strand (A>T on the coding strand, the complement: MASP2 is on the minus strand). VCF-style: chr1-11034851-T-A. GRCh37 (hg19) VCF-style: chr1-11094908-T-A.
Other names: short protein forms D355V.
Identifiers: ClinVar variation 291788 (VCV000291788.11), dbSNP rs61735596, ClinGen allele CA586829.